The following is an entry in ClinVar:

ClinVar aggregate classification (germline): Benign/Likely benign. Review status: criteria provided, multiple submitters, no conflicts (2 of 4 stars). 4 submissions from 4 submitters: Benign (1); Likely benign (3). Last evaluated 2025-12-16.

Conditions:
Spastic paraplegia. Identifiers: MedGen C0037772, HP:0001258.

Allele frequency attached by ClinVar (database versions not stated): gnomAD exomes 0.00017; ExAC 0.00020; gnomAD 0.00050 and 0.00051; TOPMed 0.00052; ESP Exome Variant Server 0.00062; 1000 Genomes Project 0.00120; 1000 Genomes Project 30x 0.00125.
gnomAD v4.1: 238 of 1,614,228 alleles (0.015%); highest among the groups gnomAD compares: African/African-American, 0.13%; 1 homozygote.

Submissions (4):

Labcorp Genetics (formerly Invitae), Labcorp
Classification: Benign for Spastic paraplegia. Last evaluated: 2025-12-16. Review status: criteria provided, single submitter. Criteria: Invitae Variant Classification Sherloc (09022015). Collection method: clinical testing. Allele origin: germline.

Blueprint Genetics
Classification: Likely benign. Last evaluated: 2024-11-25. Review status: criteria provided, single submitter. Criteria: ACMG Guidelines, 2015. Collection method: clinical testing. Allele origin: germline.

CeGaT Center for Human Genetics Tuebingen
Classification: Likely benign. Last evaluated: 2022-04-01. Review status: criteria provided, single submitter. Criteria: CeGaT Center For Human Genetics Tuebingen Variant Classification Criteria Version 2. Collection method: clinical testing. Allele origin: germline. Affected: yes. Observed: 1 variant allele.
Comment: AP4S1: BP4, BP7

Genetic Services Laboratory, University of Chicago
Classification: Likely benign. Last evaluated: 2016-03-02. Review status: criteria provided, single submitter. Criteria: ACMG Guidelines, 2015. Collection method: clinical testing. Allele origin: germline. Affected: no.

NM_001128126.3(AP4S1):c.306+4283C>T

Gene: AP4S1 (adaptor related protein complex 4 subunit sigma 1; plus strand). Cytogenetic location: 14q12.
Variant type: single nucleotide variant.
Coding change: c.306+4283C>T on transcript NM_001128126.3 (MANE Select); 4283 bases into the intron after coding-DNA position 306, C replaced by T.
Molecular consequence: intron variant. On other transcripts: synonymous variant (2), 3 prime UTR variant (1).
Genome position (GRCh38, 1-based): chr14:31,084,867, C>T. VCF-style: chr14-31084867-C-T. GRCh37 (hg19) VCF-style: chr14-31554073-C-T.
Other names: c.393C>T, p.Thr131= (NM_001254726.2); c.*137C>T (NM_001254727.2); c.465C>T, p.Thr155= (NM_007077.5); c.306+4283C>T (NM_001254729.2, NM_001254728.2).
Identifiers: ClinVar variation 434249 (VCV000434249.36), dbSNP rs143795469, ClinGen allele CA7144302.
Genomic context (GRCh38, chr14:31,084,867, plus strand): 5'-GGAGCCCCAGCAGACTTGCTTTTCTCCAGACAGTTCATCATTCAAAGGAGCTGCCTCCAC[C>T]ACCCCCATCTACTGAATAGCCAGGGGAGGGCACCAATGAACAGCACAGTATGGGAGACAC-3'